The following is an entry in ClinVar:

NM_000540.3(RYR1):c.7283C>T (p.Ala2428Val)

Gene: RYR1 (ryanodine receptor 1; plus strand). Cytogenetic location: 19q13.2.
Variant type: single nucleotide variant.
Coding change: c.7283C>T on transcript NM_000540.3 (MANE Select); coding-DNA position 7283, C replaced by T.
Protein change: p.Ala2428Val; replaces alanine 2428 with valine.
Molecular consequence: missense variant.
Genome position (GRCh38, 1-based): chr19:38,499,976, C>T. VCF-style: chr19-38499976-C-T. GRCh37 (hg19) VCF-style: chr19-38990616-C-T.
Other names: c.7283C>T, p.Ala2428Val (NM_001042723.2); short protein forms A2428V.
Identifiers: ClinVar variation 4084282 (VCV004084282.8).

ClinVar aggregate classification (germline): Uncertain significance (1 of 4 stars; one submission).

Submission:

CeGaT Center for Human Genetics Tuebingen
Classification: Uncertain significance. Last evaluated: 2024-08-01. Review status: criteria provided, single submitter. Criteria: CeGaT Center For Human Genetics Tuebingen Variant Classification Criteria Version 2. Collection method: clinical testing. Allele origin: germline. Affected: yes. Observed: 1 variant allele.
Comment: RYR1: PM2, PM5, PP3